The following is an entry in ClinVar:

NM_000426.4(LAMA2):c.6506A>G (p.Asn2169Ser)

Gene: LAMA2 (laminin subunit alpha 2; plus strand). Cytogenetic location: 6q22.33.
Variant type: single nucleotide variant.
Coding change: c.6506A>G on transcript NM_000426.4 (MANE Select); coding-DNA position 6506, A replaced by G.
Protein change: p.Asn2169Ser; replaces asparagine 2169 with serine.
Molecular consequence: missense variant.
Genome position (GRCh38, 1-based): chr6:129,453,064, A>G. VCF-style: chr6-129453064-A-G. GRCh37 (hg19) VCF-style: chr6-129774209-A-G.
Other names: p.Asn2169Ser; c.6506A>G, p.Asn2169Ser (NM_001079823.2); short protein forms N2169S.
Identifiers: ClinVar variation 705502 (VCV000705502.59), dbSNP rs144845618, ClinGen allele CA3994285.

ClinVar aggregate classification (germline): Conflicting classifications of pathogenicity. Review status: criteria provided, conflicting classifications (1 of 4 stars). 7 submissions from 7 submitters: Uncertain significance (3); Likely benign (4). Last evaluated 2026-08-04.

Conditions:
LAMA2-related disorder. Also called: LAMA2-related disorders; LAMA2-related condition.
LAMA2-related muscular dystrophy (LAMA2-RD). Also called: Laminin alpha 2-related dystrophy. Identifiers: MedGen C5679788, MONDO:0100228.

Allele frequency attached by ClinVar (database versions not stated): gnomAD exomes 0.00004 and 0.00016; ExAC 0.00022; gnomAD 0.00050 and 0.00051; TOPMed 0.00060; 1000 Genomes Project 30x 0.00062; 1000 Genomes Project 0.00080; ESP Exome Variant Server 0.00100.
gnomAD v4.1: 154 of 1,612,850 alleles (0.0095%); highest among the groups gnomAD compares: African/African-American, 0.17%; no homozygotes.

Submissions (7):

PreventionGenetics, part of Exact Sciences
Classification: Likely benign for LAMA2-related condition. Last evaluated: 2026-08-04. Review status: criteria provided, single submitter. Criteria: ACMG Guidelines, 2015. Collection method: clinical testing. Allele origin: germline.
Comment: This variant is classified as likely benign based on ACMG/AMP sequence variant interpretation guidelines (Richards et al. 2015 PMID: 25741868, with internal and published modifications).

Labcorp Genetics (formerly Invitae), Labcorp
Classification: Likely benign for LAMA2-related muscular dystrophy. Last evaluated: 2026-01-26. Review status: criteria provided, single submitter. Criteria: Invitae Variant Classification Sherloc (09022015). Collection method: clinical testing. Allele origin: germline.

Revvity Omics, Revvity
Classification: Likely benign. Last evaluated: 2024-10-08. Review status: criteria provided, single submitter. Criteria: ACMG Guidelines, 2015. Collection method: clinical testing. Allele origin: germline.

Blueprint Genetics
Classification: Likely benign. Last evaluated: 2024-07-29. Review status: criteria provided, single submitter. Criteria: ACMG Guidelines, 2015. Collection method: clinical testing. Allele origin: germline.

Mayo Clinic Laboratories, Mayo Clinic
Classification: Uncertain significance. Last evaluated: 2024-06-14. Review status: criteria provided, single submitter. Criteria: ACMG Guidelines, 2015. Collection method: clinical testing. Allele origin: germline. Observed: 2 variant alleles.
Comment: BP4

GeneDx
Classification: Uncertain significance. Last evaluated: 2020-07-13. Review status: criteria provided, single submitter. Criteria: GeneDx Variant Classification Process June 2021. Collection method: clinical testing. Allele origin: germline. Affected: yes.
Comment: In silico analysis supports that this missense variant does not alter protein structure/function; Has not been previously published as pathogenic or benign to our knowledge; This variant is associated with the following publications: (PMID: 30055037)

CeGaT Center for Human Genetics Tuebingen
Classification: Uncertain significance. Last evaluated: 2016-06-01. Review status: criteria provided, single submitter. Criteria: CeGaT Center For Human Genetics Tuebingen Variant Classification Criteria Version 2. Collection method: clinical testing. Allele origin: germline. Affected: yes. Observed: 1 variant allele.